The following is an entry in ClinVar:

ClinVar aggregate classification (germline): Likely benign (1 of 4 stars; one submission).

Allele frequency attached by ClinVar (database versions not stated): 1000 Genomes Project 30x 0.00016; 1000 Genomes Project 0.00020; gnomAD 0.00034; ExAC 0.00046.

Submission:

CeGaT Center for Human Genetics Tuebingen
Classification: Likely benign. Last evaluated: 2022-09-01. Review status: criteria provided, single submitter. Criteria: CeGaT Center For Human Genetics Tuebingen Variant Classification Criteria Version 2. Collection method: clinical testing. Allele origin: germline. Affected: yes. Observed: 2 variant alleles.
Comment: SPATA31A6: BP4, BP7

NM_001145196.1(SPATA31A6):c.3285C>T (p.Ser1095=)

Gene: SPATA31A6 (SPATA31 subfamily A member 6; plus strand). Cytogenetic location: 9p11.2.
Variant type: single nucleotide variant.
Coding change: c.3285C>T on transcript NM_001145196.1 (MANE Select); coding-DNA position 3285, C replaced by T.
Protein change: p.Ser1095=; no amino-acid change (serine 1095 retained).
Molecular consequence: synonymous variant.
Genome position (GRCh38, 1-based): chr9:42,188,987, C>T. VCF-style: chr9-42188987-C-T. GRCh37 (hg19) VCF-style: chr9-43625402-G-A.
Identifiers: ClinVar variation 2659215 (VCV002659215.24), dbSNP rs537436807, ClinGen allele CA5067389.